The following is an entry in ClinVar:

ClinVar aggregate classification (germline): Pathogenic (1 of 4 stars; one submission).

Conditions:
Glycine encephalopathy 1 (GCE1). Identifiers: MedGen CN376801, MONDO:0958179, OMIM 605899.

Submission:

Myriad Genetics, Inc.
Classification: Pathogenic for Glycine encephalopathy 1. Last evaluated: 2024-06-04. Review status: criteria provided, single submitter. Criteria: Myriad Autosomal Dominant, Autosomal Recessive and X-Linked Classification Criteria (2023). Collection method: clinical testing. Allele origin: unknown.
Comment: NM_000170.2(GLDC):c.2504T>G(L835*) is expected to be pathogenic in the context of glycine encephalopathy, GLDC-related. This variant is predicted to lead to an abnormal or absent protein product due to the creation of a premature termination codon in GLDC, a gene where loss-of-function variants are known to be pathogenic. Please note: this variant was assessed in the context of healthy population screening.

NM_000170.3(GLDC):c.2504T>G (p.Leu835Ter)

Gene: GLDC (glycine decarboxylase; minus strand). Cytogenetic location: 9p24.1.
Variant type: single nucleotide variant.
Coding change: c.2504T>G on transcript NM_000170.3 (MANE Select); coding-DNA position 2504, T replaced by G.
Protein change: p.Leu835Ter; replaces leucine 835 with a stop codon.
Molecular consequence: nonsense.
Genome position (GRCh38, 1-based): chr9:6,550,868, A>C on the plus strand (T>G on the coding strand, the complement: GLDC is on the minus strand). VCF-style: chr9-6550868-A-C. GRCh37 (hg19) VCF-style: chr9-6550868-A-C.
Other names: short protein forms L835*.
Identifiers: ClinVar variation 5013148 (VCV005013148.1).
Genomic context (GRCh38, chr9:6,550,868, plus strand): 5'-GCACCCCTGAAAAGAATTCTGTAGTGTGTTTCTAATCGCTTGGCCATGTAGTTGGCATTT[A>C]ATATCGCAGTTTCCGTGGCTTGTTTAAGACCCTTGCCTCCCATCATCTGCAACAAAGGGA-3'